The following is an entry in ClinVar:

NM_015443.4(KANSL1):c.2831dup (p.Ser945fs)

Gene: KANSL1 (KAT8 regulatory NSL complex subunit 1). Cytogenetic location: 17q21.31.
Variant type: Duplication.
Coding change: c.2831dup on transcript NM_015443.4 (MANE Select); coding-DNA position 2831, one base duplicated.
Protein change: p.Ser945fs; shifts the reading frame from serine 945.
Molecular consequence: frameshift variant.
Genome position: GRCh38 VCF-style: chr17-46033085-G-GC. GRCh37 (hg19) VCF-style: chr17-44110451-G-GC.
Other names: c.2828dup, p.Ser944fs (NM_001193465.2); c.2831dup, p.Ser945fs (NM_001193466.2, NM_001379198.1); short protein forms S945fs, S944fs.
Identifiers: ClinVar variation 1436579 (VCV001436579.6), dbSNP rs2146314563, ClinGen allele CA2573153983.
Genomic context (GRCh38, chr17:46,033,085, plus strand): 5'-ACTCCCTGTCCACCCTCTCTCCACAGGCCCTGGGGACCCAAGCCTGCCCCATCACCTGCT[G>GC]CCCCGCCGCTGGGGTGGCACACTCGTGGTCCACAGCCACCGTGCCCTCTCCATCTCCTCA-3'

ClinVar aggregate classification (germline): Pathogenic (1 of 4 stars; one submission).

Conditions:
Koolen-de Vries syndrome (KDVS). Identifiers: Orphanet 96169, MedGen C1864871, MONDO:0012496, OMIM 610443.

Submission:

Labcorp Genetics (formerly Invitae), Labcorp
Classification: Pathogenic for Koolen-de Vries syndrome. Last evaluated: 2021-11-03. Review status: criteria provided, single submitter. Criteria: Invitae Variant Classification Sherloc (09022015). Collection method: clinical testing. Allele origin: germline.
Comment: This sequence change creates a premature translational stop signal (p.Ser945Glnfs*29) in the KANSL1 gene. It is expected to result in an absent or disrupted protein product. Loss-of-function variants in KANSL1 are known to be pathogenic (PMID: 22544363, 22544367). This variant is not present in population databases (gnomAD no frequency). This variant has not been reported in the literature in individuals affected with KANSL1-related conditions. For these reasons, this variant has been classified as Pathogenic.

Literature cited by the submitters: PubMed 22544363; PubMed 22544367.